The following is an entry in ClinVar:

ClinVar aggregate classification (germline): Uncertain significance (1 of 4 stars; one submission).

gnomAD v4.1: 1 of 1,614,182 alleles (0.000062%); highest among the groups gnomAD compares: African/African-American, 0.0013%; no homozygotes.

Submission:

Labcorp Genetics (formerly Invitae), Labcorp
Classification: Uncertain significance. Last evaluated: 2025-02-26. Review status: criteria provided, single submitter. Criteria: Invitae Variant Classification Sherloc (09022015). Collection method: clinical testing. Allele origin: germline.
Comment: This sequence change replaces tyrosine, which is neutral and polar, with cysteine, which is neutral and slightly polar, at codon 604 of the ARHGEF10 protein (p.Tyr604Cys). This variant is present in population databases (rs779771692, gnomAD 0.007%). This variant has not been reported in the literature in individuals affected with ARHGEF10-related conditions. Invitae Evidence Modeling of protein sequence and biophysical properties (such as structural, functional, and spatial information, amino acid conservation, physicochemical variation, residue mobility, and thermodynamic stability) indicates that this missense variant is not expected to disrupt ARHGEF10 protein function with a negative predictive value of 80%. In summary, the available evidence is currently insufficient to determine the role of this variant in disease. Therefore, it has been classified as a Variant of Uncertain Significance.

NM_014629.4(ARHGEF10):c.1811A>G (p.Tyr604Cys)

Gene: ARHGEF10 (Rho guanine nucleotide exchange factor 10; plus strand). Cytogenetic location: 8p23.3.
Variant type: single nucleotide variant.
Coding change: c.1811A>G on transcript NM_014629.4 (MANE Select); coding-DNA position 1811, A replaced by G.
Protein change: p.Tyr604Cys; replaces tyrosine 604 with cysteine.
Molecular consequence: missense variant.
Genome position (GRCh38, 1-based): chr8:1,903,441, A>G. VCF-style: chr8-1903441-A-G. GRCh37 (hg19) VCF-style: chr8-1851607-A-G.
Other names: c.1697A>G, p.Tyr566Cys (NM_001308152.2, NM_001438094.1); c.1811A>G, p.Tyr604Cys (NM_001308153.3); c.1814A>G, p.Tyr605Cys (NM_001438091.1); c.1694A>G, p.Tyr565Cys (NM_001438092.1, NM_001438093.1); short protein forms Y565C, Y604C, Y566C, Y605C, Y628C.
Identifiers: ClinVar variation 4701988 (VCV004701988.1).